The following is an entry in ClinVar:

ClinVar aggregate classification (germline): Uncertain significance (1 of 4 stars; one submission).

gnomAD v4.1: 3 of 1,614,050 alleles (0.00019%); highest among the groups gnomAD compares: African/African-American, 0.0013%; no homozygotes.

Submission:

Women's Health and Genetics/Laboratory Corporation of America, LabCorp
Classification: Uncertain significance. Last evaluated: 2026-04-02. Review status: criteria provided, single submitter. Criteria: LabCorp Variant Classification Summary - May 2015. Collection method: clinical testing. Allele origin: germline.
Comment: Variant summary: FBP2 c.196G>A (p.Val66Met) results in a conservative amino acid change in the encoded protein sequence. Algorithms developed to predict the effect of missense changes on protein structure and function are either unavailable or do not agree on the potential impact of this missense change. The variant allele was found at a frequency of 8e-06 in 251340 control chromosomes. The available data on variant occurrences in the general population are insufficient to allow any conclusion about variant significance. To our knowledge, no occurrence of c.196G>A in individuals affected with FBP2-related conditions and no experimental evidence demonstrating its impact on protein function have been reported. No submitters have cited clinical-significance assessments for this variant to ClinVar. Based on the evidence outlined above, the variant was classified as uncertain significance.

NM_003837.4(FBP2):c.196G>A (p.Val66Met)

Gene: FBP2 (fructose-bisphosphatase 2; minus strand). Cytogenetic location: 9q22.32.
Variant type: single nucleotide variant.
Coding change: c.196G>A on transcript NM_003837.4 (MANE Select); coding-DNA position 196, G replaced by A.
Protein change: p.Val66Met; replaces valine 66 with methionine.
Molecular consequence: missense variant.
Genome position (GRCh38, 1-based): chr9:94,587,444, C>T on the plus strand (G>A on the coding strand, the complement: FBP2 is on the minus strand). VCF-style: chr9-94587444-C-T. GRCh37 (hg19) VCF-style: chr9-97349726-C-T.
Other names: short protein forms V66M.
Identifiers: ClinVar variation 4848936 (VCV004848936.1).
Genomic context (GRCh38, chr9:94,587,444, plus strand): 5'-CCATGTTGATCACCAGGGAATTGGATAGCACATCCAGTTTCTTCACCTCATCTCCCGTCA[C>T]GTTAACGCTTCCTGCGATTCCATACCTGAGAAGACAAAAGGCTGAATGAGGAAGTCACTA-3'
Protein context (NP_003828.2, residues 56-76): HLYGIAGSVN[Val66Met]TGDEVKKLDV